The following is an entry in ClinVar:

NM_003383.5(VLDLR):c.7A>C (p.Thr3Pro)

Genes: VLDLR (very low density lipoprotein receptor; plus strand), VLDLR-AS1 (VLDLR antisense RNA 1; minus strand), LOC130001468 (ATAC-STARR-seq lymphoblastoid silent region 19733; plus strand). Cytogenetic location: 9p24.2.
Variant type: single nucleotide variant.
Coding change: c.7A>C on transcript NM_003383.5 (MANE Select); coding-DNA position 7, A replaced by C.
Protein change: p.Thr3Pro; replaces threonine 3 with proline.
Molecular consequence: missense variant. On other transcripts: non-coding transcript variant (1).
Genome position (GRCh38, 1-based): chr9:2,622,196, A>C. VCF-style: chr9-2622196-A-C. GRCh37 (hg19) VCF-style: chr9-2622196-A-C.
Other names: c.7A>C, p.Thr3Pro (NM_001018056.3, NM_001322225.2, NM_001322226.2); short protein forms T3P.
Identifiers: ClinVar variation 3030487 (VCV003030487.2), dbSNP rs1018964610, ClinGen allele CA187938815.

ClinVar aggregate classification (germline): Uncertain significance (0 of 4 stars; one submission).

Conditions:
VLDLR-related disorder. Also called: VLDLR-related condition.

Allele frequency attached by ClinVar (database versions not stated): gnomAD exomes 0.00001.
gnomAD v4.1: 9 of 1,496,924 alleles (0.0006%); highest among the groups gnomAD compares: Non-Finnish European, 0.0008%; no homozygotes.

Submission:

PreventionGenetics, part of Exact Sciences
Classification: Uncertain significance for VLDLR-related condition. Last evaluated: 2023-11-09. Review status: no assertion criteria provided. Collection method: clinical testing. Allele origin: germline.
Comment: The VLDLR c.7A>C variant is predicted to result in the amino acid substitution p.Thr3Pro. To our knowledge, this variant has not been reported in the literature or in a large population database, indicating this variant is rare. At this time, the clinical significance of this variant is uncertain due to the absence of conclusive functional and genetic evidence.